The following is an entry in ClinVar:

ClinVar aggregate classification (germline): Uncertain significance (1 of 4 stars; one submission).

Conditions:
Hepatic veno-occlusive disease-immunodeficiency syndrome. Also called: Hepatic Veno-Occlusive Disease with Immunodeficiency. Identifiers: Orphanet 79124, MedGen C1856128, MONDO:0009338, OMIM 235550. Disease mechanism: loss of function.

Submission:

Labcorp Genetics (formerly Invitae), Labcorp
Classification: Uncertain significance for Hepatic veno-occlusive disease-immunodeficiency syndrome. Last evaluated: 2022-02-03. Review status: criteria provided, single submitter. Criteria: Invitae Variant Classification Sherloc (09022015). Collection method: clinical testing. Allele origin: germline.
Comment: In summary, the available evidence is currently insufficient to determine the role of this variant in disease. Therefore, it has been classified as a Variant of Uncertain Significance. Algorithms developed to predict the effect of missense changes on protein structure and function are either unavailable or do not agree on the potential impact of this missense change (SIFT: "Deleterious"; PolyPhen-2: "Possibly Damaging"; Align-GVGD: "Class C0"). This variant has not been reported in the literature in individuals affected with SP110-related conditions. This variant is not present in population databases (gnomAD no frequency). This sequence change replaces proline, which is neutral and non-polar, with alanine, which is neutral and non-polar, at codon 368 of the SP110 protein (p.Pro368Ala).

NM_080424.4(SP110):c.1102C>G (p.Pro368Ala)

Genes: SP110 (SP110 nuclear body protein; minus strand), SP140 (SP140 nuclear body protein; plus strand). Cytogenetic location: 2q37.1.
Variant type: single nucleotide variant.
Coding change: c.1102C>G on transcript NM_080424.4 (MANE Select); coding-DNA position 1102, C replaced by G.
Protein change: p.Pro368Ala; replaces proline 368 with alanine.
Molecular consequence: missense variant.
Genome position (GRCh38, 1-based): chr2:230,200,912, G>C on the plus strand (C>G on the coding strand, the complement: SP110 is on the minus strand). VCF-style: chr2-230200912-G-C. GRCh37 (hg19) VCF-style: chr2-231065628-G-C.
Other names: c.1120C>G, p.Pro374Ala (NM_001185015.2, NM_001378442.1, NM_001378444.1 and 2 more transcripts); c.1102C>G, p.Pro368Ala (NM_001378443.1, NM_004509.5, NM_004510.4); c.952C>G, p.Pro318Ala (NM_001378447.1); short protein forms P368A, P374A, P318A.
Identifiers: ClinVar variation 1489148 (VCV001489148.6), dbSNP rs962546053, ClinGen allele CA350910703.